The following is an entry in ClinVar:

NM_001199397.3(NEK1):c.251A>T (p.Glu84Val)

Gene: NEK1 (NIMA related kinase 1; minus strand). Cytogenetic location: 4q33.
Variant type: single nucleotide variant.
Coding change: c.251A>T on transcript NM_001199397.3 (MANE Select); coding-DNA position 251, A replaced by T.
Protein change: p.Glu84Val; replaces glutamic acid 84 with valine.
Molecular consequence: missense variant.
Genome position (GRCh38, 1-based): chr4:169,599,161, T>A on the plus strand (A>T on the coding strand, the complement: NEK1 is on the minus strand). VCF-style: chr4-169599161-T-A. GRCh37 (hg19) VCF-style: chr4-170520312-T-A.
Other names: c.251A>T, p.Glu84Val (NM_001199398.3, NM_001199399.3, NM_001199400.3 and 7 more transcripts); short protein forms E84V.
Identifiers: ClinVar variation 3720405 (VCV003720405.2).
Genomic context (GRCh38, chr4:169,599,161, plus strand): 5'-TGATCCTCTTGAAACAAAACGCCTTTCTGAGCATTTATTCGCTTAAACAGATCCCCTCCC[T>A]CACAGTAATCCATTACTATGTAGAGAGAGCCATTTTCTACAAAATATAAACATTACAGTC-3'
Protein context (NP_001186326.1, residues 74-94): GSLYIVMDYC[Glu84Val]GGDLFKRINA

ClinVar aggregate classification (germline): Uncertain significance (1 of 4 stars; one submission).

Conditions:
Short-rib thoracic dysplasia 6 with or without polydactyly (SRTD6). Also called: POLYDACTYLY WITH NEONATAL CHONDRODYSTROPHY, TYPE II; SHORT RIB-POLYDACTYLY SYNDROME, TYPE IIA; Majewski Syndrome; SHORT-RIB THORACIC DYSPLASIA 6 WITH POLYDACTYLY; SHORT-RIB THORACIC DYSPLASIA 6 WITHOUT POLYDACTYLY. Identifiers: MedGen C0024507, MONDO:0009894, OMIM 263520.

gnomAD v4.1: 6 of 1,613,154 alleles (0.00037%); highest among the groups gnomAD compares: Non-Finnish European, 0.00034%; no homozygotes.

Submission:

Labcorp Genetics (formerly Invitae), Labcorp
Classification: Uncertain significance for Short-rib thoracic dysplasia 6 with or without polydactyly. Last evaluated: 2024-04-08. Review status: criteria provided, single submitter. Criteria: Invitae Variant Classification Sherloc (09022015). Collection method: clinical testing. Allele origin: germline.
Comment: This sequence change replaces glutamic acid, which is acidic and polar, with valine, which is neutral and non-polar, at codon 84 of the NEK1 protein (p.Glu84Val). This variant is present in population databases (rs754427159, gnomAD 0.005%). This variant has not been reported in the literature in individuals affected with NEK1-related conditions. An algorithm developed to predict the effect of missense changes on protein structure and function (PolyPhen-2) suggests that this variant is likely to be disruptive. In summary, the available evidence is currently insufficient to determine the role of this variant in disease. Therefore, it has been classified as a Variant of Uncertain Significance.